The following is an entry in ClinVar:

ClinVar aggregate classification (germline): Likely benign (1 of 4 stars; one submission).

Conditions:
Leigh syndrome (NULS). Also called: Leigh's necrotizing encephalopathy; Leigh's disease; Leigh's syndrome; LEIGH SYNDROME, NUCLEAR; Leigh Syndrome (mtDNA deletion); Leigh Disease. Identifiers: Orphanet 506, MedGen C2931891, MONDO:0009723, OMIM 256000.

Submission:

Wong Mito Lab, Molecular and Human Genetics, Baylor College of Medicine
Classification: Likely benign for Leigh syndrome. Last evaluated: 2019-10-17. Review status: criteria provided, single submitter. Criteria: Modified ACMG Guidelines (Unpublished). Collection method: clinical testing. Allele origin: germline.
Comment: The NC_012920.1:m.15813T>G (YP_003024038.1:p.Val356Gly) variant in MTCYB gene is interpretated to be a Likely Benign variant based on the modified ACMG guidelines (unpublished). This variant meets the following evidence codes: BS4, BP4

NC_012920.1(MT-CYB):m.15813T>G

Gene: MT-CYB (mitochondrially encoded cytochrome b; plus strand).
Variant type: single nucleotide variant.
Genome position: chrM-15813-T-G.
Identifiers: ClinVar variation 693958 (VCV000693958.1), dbSNP rs1603225521, ClinGen allele CA913174915.